The following is an entry in ClinVar:

ClinVar aggregate classification (germline): Conflicting classifications of pathogenicity. Review status: criteria provided, conflicting classifications (1 of 4 stars). 12 submissions from 12 submitters: Uncertain significance (6); Likely benign (5). 1 of the submissions does not count toward it. Last evaluated 2026-02-24.

Conditions:
DES-related disorder. Also called: DES-related condition.
Cardiovascular phenotype. Identifiers: MedGen CN230736.
Desmin-related myofibrillar myopathy (MFM1). Also called: MYOFIBRILLAR MYOPATHY WITH ARRHYTHMOGENIC RIGHT VENTRICULAR CARDIOMYOPATHY; DESMIN-RELATED MYOPATHY WITH ARRHYTHMOGENIC RIGHT VENTRICULAR CARDIOMYOPATHY; Myofibrillar myopathy 1; Desmin related myopathy (former name); Desmin storage myopathy (former name); Desminopathy. Identifiers: Orphanet 363543, Orphanet 98909, MedGen C1832370, MONDO:0011076, OMIM 601419.

Allele frequency attached by ClinVar (database versions not stated): gnomAD exomes 0.00034; ExAC 0.00039; gnomAD 0.00085 and 0.00093; TOPMed 0.00085; ESP Exome Variant Server 0.00100; 1000 Genomes Project 30x 0.00125; 1000 Genomes Project 0.00140.
gnomAD v4.1: 336 of 1,613,674 alleles (0.021%); highest among the groups gnomAD compares: African/African-American, 0.31%; no homozygotes.

Submissions (12):

Women's Health and Genetics/Laboratory Corporation of America, LabCorp
Classification: Likely benign. Last evaluated: 2026-02-24. Review status: criteria provided, single submitter. Criteria: LabCorp Variant Classification Summary - May 2015. Collection method: clinical testing. Allele origin: germline.
Comment: Variant summary: DES c.935A>C (p.Asp312Ala) results in a non-conservative amino acid change located in the Intermediate filament (IF) rod domain (IPR039008) of the encoded protein sequence. Algorithms developed to predict the effect of missense changes on protein structure and function all suggest that this variant is likely to be disruptive. The variant allele was found at a frequency of 0.00034 in 251070 control chromosomes, predominantly at a frequency of 0.0037 within the African or African-American subpopulation in the gnomAD database. The observed variant frequency within African or African-American control individuals in the gnomAD database exceeds the estimated maximal expected allele frequency for disease-causing variants in DES. c.935A>C has been observed in individuals affected with cardiomyopathy or in cases of sudden unexplained death without strong evidence of causality (example: Mook_2013, Pugh_2014, Khan_2022, Sahnchez_2016). These reports do not provide unequivocal conclusions about association of the variant with Autosomal Recessive Desminopathy. To our knowledge, no experimental evidence demonstrating an impact on protein function has been reported. The following publications have been ascertained in the context of this evaluation (PMID: 23785128, 24503780, 27930701, 34935411). ClinVar contains an entry for this variant (Variation ID: 44275). Based on the evidence outlined above, the variant was classified as likely benign.

Labcorp Genetics (formerly Invitae), Labcorp
Classification: Likely benign for Desmin-related myofibrillar myopathy. Last evaluated: 2026-02-03. Review status: criteria provided, single submitter. Criteria: Invitae Variant Classification Sherloc (09022015). Collection method: clinical testing. Allele origin: germline.

GeneDx
Classification: Uncertain significance. Last evaluated: 2025-04-21. Review status: criteria provided, single submitter. Criteria: GeneDx Variant Classification Process June 2021. Collection method: clinical testing. Allele origin: germline. Affected: yes.
Comment: Identified in individuals with HCM, DCM, or sudden unexplained death in published literature; however, several individuals harbored additional cardiogenetic variants (PMID: 23785128, 24503780, 27930701, 30847666); In silico analysis supports that this missense variant has a deleterious effect on protein structure/function; This variant is associated with the following publications: (PMID: 24503780, 27930701, 29926427, 17325244, 30847666, 23785128, 34935411, 26807690)

Mayo Clinic Laboratories, Mayo Clinic
Classification: Likely benign. Last evaluated: 2025-04-09. Review status: criteria provided, single submitter. Criteria: ACMG Guidelines, 2015. Collection method: clinical testing. Allele origin: germline. Observed: 3 variant alleles.
Comment: BS1, PP3

Molecular Diagnostic Laboratory for Inherited Cardiovascular Disease, Montreal Heart Institute
Classification: Uncertain significance for Cardiovascular phenotype. Last evaluated: 2025-04-09. Review status: criteria provided, single submitter. Criteria: ACMG Guidelines, 2015. Collection method: clinical testing. Allele origin: germline. Affected: yes.

Blueprint Genetics
Classification: Uncertain significance. Last evaluated: 2024-05-27. Review status: criteria provided, single submitter. Criteria: ACMG Guidelines, 2015. Collection method: clinical testing. Allele origin: germline.

Athena Diagnostics
Classification: Uncertain significance. Last evaluated: 2022-11-03. Review status: criteria provided, single submitter. Criteria: Athena Diagnostics Criteria. Collection method: clinical testing. Allele origin: unknown.
Comment: Available data are insufficient to determine the clinical significance of the variant at this time. The frequency of this variant in the general population is higher than would generally be expected for pathogenic variants in this gene. Computational tools predict that this variant is damaging.

Revvity Omics, Revvity
Classification: Uncertain significance. Last evaluated: 2022-11-01. Review status: criteria provided, single submitter. Criteria: ACMG Guidelines, 2015. Collection method: clinical testing. Allele origin: germline.

Ambry Genetics
Classification: Likely benign for Cardiovascular phenotype. Last evaluated: 2020-10-13. Review status: criteria provided, single submitter. Criteria: Ambry Variant Classification Scheme 2023. Collection method: clinical testing. Allele origin: germline.

Eurofins Ntd Llc (ga)
Classification: Uncertain significance. Last evaluated: 2017-11-13. Review status: criteria provided, single submitter. Criteria: EGL Classification Definitions 2015. Collection method: clinical testing. Allele origin: germline. Observed: 4 variant alleles, 4 heterozygotes.

Laboratory for Molecular Medicine, Mass General Brigham Personalized Medicine
Classification: Likely benign. Last evaluated: 2012-03-02. Review status: criteria provided, single submitter. Criteria: LMM Criteria. Collection method: clinical testing. Allele origin: germline. Observed: 3 variant alleles.
Comment: p.Asp312Ala in exon 5 of DES: This variant is not expected to have clinical sign ificance because it has been identified in 0.3% (11/3738) of African American ch romosomes from a broad population by the NHLBI Exome Sequencing Project (dbSNP rs148947510).

PreventionGenetics, part of Exact Sciences
Classification: Likely benign for DES-related condition. Last evaluated: 2022-09-20. Review status: no assertion criteria provided. Collection method: clinical testing. Allele origin: germline. Not counted in ClinVar's aggregate classification.
Comment: This variant is classified as likely benign based on ACMG/AMP sequence variant interpretation guidelines (Richards et al. 2015 PMID: 25741868, with internal and published modifications).

Literature cited by the submitters: PubMed 23785128 (cited by 5 submitters); PubMed 24503780 (cited by 4 submitters); PubMed 27930701 (cited by 4 submitters); PubMed 34935411 (cited by 3 submitters); PubMed 17325244 (cited by Mayo Clinic Laboratories, Mayo Clinic and Ambry Genetics); PubMed 26807690 (cited by Mayo Clinic Laboratories, Mayo Clinic); PubMed 29926427 (cited by Mayo Clinic Laboratories, Mayo Clinic); PubMed 30847666 (cited by 3 submitters).

NM_001927.4(DES):c.935A>C (p.Asp312Ala)

Gene: DES (desmin; plus strand). Cytogenetic location: 2q35.
Variant type: single nucleotide variant.
Coding change: c.935A>C on transcript NM_001927.4 (MANE Select); coding-DNA position 935, A replaced by C.
Protein change: p.Asp312Ala; replaces aspartic acid 312 with alanine.
Molecular consequence: missense variant.
Genome position (GRCh38, 1-based): chr2:219,420,865, A>C. VCF-style: chr2-219420865-A-C. GRCh37 (hg19) VCF-style: chr2-220285587-A-C.
Other names: p.D312A:GAC>GCC; short protein forms D312A.
Identifiers: ClinVar variation 44275 (VCV000044275.40), dbSNP rs148947510, ClinGen allele CA133886.